The following is an entry in ClinVar:

NR_001566.3(TERC):n.2G>C

Genes: TERC (telomerase RNA component; minus strand), LOC110806306 (telomerase RNA component (TERC) promoter; plus strand). Cytogenetic location: 3q26.2.
Variant type: single nucleotide variant.
Genome position: GRCh38 VCF-style: chr3-169765059-C-G. GRCh37 (hg19) VCF-style: chr3-169482847-C-G.
Other names: NR_001566.1:r.2g>c (G2C).
Identifiers: ClinVar variation 39288 (VCV000039288.3), dbSNP rs199422257, ClinGen allele CA343760.

ClinVar aggregate classification (germline): Pathogenic (0 of 4 stars; one submission).

Conditions:
Dyskeratosis congenita, autosomal dominant 1 (DKCA1). Also called: Dyskeratosis congenita Scoggins type. Identifiers: Orphanet 1775, MedGen C4551974, MONDO:0007485, OMIM 127550. Inheritance: Variable.

Submission:

GeneReviews
Classification: Pathogenic for Dyskeratosis Congenita. Last evaluated: 2012-05-10. Review status: no assertion criteria provided. Collection method: curation. Allele origin: unknown.
ClinVar note: Converted during submission from pathologic to Pathogenic.